The following is an entry in ClinVar:

NM_001371533.1(FUT8):c.796T>C (p.Cys266Arg)

Gene: FUT8 (fucosyltransferase 8; plus strand). Cytogenetic location: 14q23.3.
Variant type: single nucleotide variant.
Coding change: c.796T>C on transcript NM_001371533.1 (MANE Select); coding-DNA position 796, T replaced by C.
Protein change: p.Cys266Arg; replaces cysteine 266 with arginine.
Molecular consequence: missense variant. On other transcripts: non-coding transcript variant (1).
Genome position (GRCh38, 1-based): chr14:65,669,441, T>C. VCF-style: chr14-65669441-T-C. GRCh37 (hg19) VCF-style: chr14-66136159-T-C.
Other names: c.796T>C, p.Cys266Arg (NM_001371534.1, NM_178155.3, NM_178156.2); c.898T>C, p.Cys300Arg (NM_001371536.1); c.307T>C, p.Cys103Arg (NM_004480.4); short protein forms C103R, C266R, C300R.
Identifiers: ClinVar variation 1690905 (VCV001690905.2), dbSNP rs2140372215, ClinGen allele CA390119609.
Genomic context (GRCh38, chr14:65,669,441, plus strand): 5'-CAGAATTGGCGCTATGCTACTGGTGGATGGGAGACTGTATTTAGGCCTGTAAGTGAGACA[T>C]GCACAGACAGATCTGGCATCTCCACTGGACACTGGTCAGGTAAGGAGCTTGTGCAGCATA-3'
Protein context (NP_001358462.1, residues 256-276): ETVFRPVSET[Cys266Arg]TDRSGISTGH

ClinVar aggregate classification (germline): Uncertain significance (1 of 4 stars; one submission).

Submission:

Laboratorio de Genetica e Diagnostico Molecular, Hospital Israelita Albert Einstein
Classification: Uncertain significance. Last evaluated: 2020-06-30. Review status: criteria provided, single submitter. Criteria: ACMG Guidelines, 2015. Collection method: clinical testing. Allele origin: germline. Affected: yes.
Comment: ACMG classification criteria: PM2, PP3